The following is an entry in ClinVar:

NM_004168.4(SDHA):c.456+10G>C

Gene: SDHA (succinate dehydrogenase complex flavoprotein subunit A; plus strand). Cytogenetic location: 5p15.33.
Variant type: single nucleotide variant.
Coding change: c.456+10G>C on transcript NM_004168.4 (MANE Select); 10 bases into the intron after coding-DNA position 456, G replaced by C.
Molecular consequence: intron variant.
Genome position (GRCh38, 1-based): chr5:225,572, G>C. VCF-style: chr5-225572-G-C. GRCh37 (hg19) VCF-style: chr5-225687-G-C.
Other names: c.456+10G>C (NM_001330758.2); c.313-311G>C (NM_001294332.2).
Identifiers: ClinVar variation 3904511 (VCV003904511.2).

ClinVar aggregate classification (germline): Conflicting classifications of pathogenicity. Review status: criteria provided, conflicting classifications (1 of 4 stars). 2 submissions from 2 submitters: Uncertain significance (1); Likely benign (1). Last evaluated 2025-02-28.

Conditions:
Mitochondrial complex II deficiency, nuclear type 1. Also called: SUCCINATE CoQ REDUCTASE DEFICIENCY. Identifiers: Orphanet 3208, MedGen C5700310, MONDO:0100294, OMIM 252011.
Pheochromocytoma/paraganglioma syndrome 5. Also called: Paragangliomas 5; SDHA-Related Hereditary Paraganglioma-Pheochromocytoma Syndrome. Identifiers: Orphanet 29072, MedGen C3279992, MONDO:0013602, OMIM 614165.

Submissions (2):

Myriad Genetics, Inc.
Classification: Likely benign for Pheochromocytoma/paraganglioma syndrome 5. Last evaluated: 2025-02-28. Review status: criteria provided, single submitter. Criteria: Myriad Autosomal Dominant, Autosomal Recessive and X-Linked Classification Criteria (2023). Collection method: clinical testing. Allele origin: unknown.
Comment: This variant is considered likely benign. This variant is intronic and is not expected to impact mRNA splicing.

Labcorp Genetics (formerly Invitae), Labcorp
Classification: Uncertain significance for Pheochromocytoma/paraganglioma syndrome 5; Mitochondrial complex II deficiency, nuclear type 1. Last evaluated: 2025-02-12. Review status: criteria provided, single submitter. Criteria: Invitae Variant Classification Sherloc (09022015). Collection method: clinical testing. Allele origin: germline.
Comment: This sequence change falls in intron 4 of the SDHA gene. It does not directly change the encoded amino acid sequence of the SDHA protein. This variant is not present in population databases (gnomAD no frequency). This variant has not been reported in the literature in individuals affected with SDHA-related conditions. Algorithms developed to predict the effect of sequence changes on RNA splicing suggest that this variant may create or strengthen a splice site. In summary, the available evidence is currently insufficient to determine the role of this variant in disease. Therefore, it has been classified as a Variant of Uncertain Significance.